The following is an entry in ClinVar:

NC_000006.11:g.(?_5545393)_(5613573_?)del

Gene: FARS2 (phenylalanyl-tRNA synthetase 2, mitochondrial; plus strand). Cytogenetic location: 6p25.1.
Variant type: Deletion.
Identifiers: ClinVar variation 3246035 (VCV003246035.1).

ClinVar aggregate classification (germline): Pathogenic (1 of 4 stars; one submission).

Conditions:
Combined oxidative phosphorylation defect type 14. Also called: Combined oxidative phosphorylation deficiency 14. Identifiers: Orphanet 319519, MedGen C4755312, MONDO:0013986, OMIM 614946.

Submission:

Labcorp Genetics (formerly Invitae), Labcorp
Classification: Pathogenic for Combined oxidative phosphorylation defect type 14. Last evaluated: 2023-02-20. Review status: criteria provided, single submitter. Criteria: Invitae Variant Classification Sherloc (09022015). Collection method: clinical testing. Allele origin: unknown.
Comment: This variant is a gross deletion of the genomic region encompassing exon(s) 5-6 of the FARS2 gene. While this deletion is not anticipated to lead to nonsense mediated decay, it is expected to disrupt the C-terminus of the protein. This variant has not been reported in the literature in individuals affected with FARS2-related conditions. This variant disrupts a region of the FARS2 protein in which other variant(s) (p.Gly309Ser) have been determined to be pathogenic (PMID: 28043061, 28419689, 30177229). This suggests that this is a clinically significant region of the protein, and that variants that disrupt it are likely to be disease-causing. For these reasons, this variant has been classified as Pathogenic.

Literature cited by the submitters: PubMed 28043061; PubMed 28419689; PubMed 30177229.